The following is an entry in ClinVar:

ClinVar aggregate classification (germline): Pathogenic. Review status: criteria provided, multiple submitters, no conflicts (2 of 4 stars). 3 submissions from 3 submitters: Pathogenic (3). Last evaluated 2025-01-10.

Conditions:
Hereditary cancer-predisposing syndrome. Also called: Hereditary Cancer Syndrome; Neoplastic Syndromes, Hereditary; Tumor predisposition; Hereditary neoplastic syndrome. Identifiers: Orphanet 140162, MedGen C0027672, MeSH D009386, MONDO:0015356.
Peutz-Jeghers syndrome (PJS). Also called: POLYPS-AND-SPOTS SYNDROME; Peutz-Jeghers polyposis; Periorificial lentiginosis syndrome; POLYPOSIS, HAMARTOMATOUS INTESTINAL. Identifiers: Orphanet 2869, MedGen C0031269, MeSH D010580, MONDO:0008280, OMIM 175200.

Submissions (3):

Department of Clinical Genetics, Copenhagen University Hospital, Rigshospitalet
Classification: Pathogenic for Peutz-Jeghers syndrome. Last evaluated: 2025-01-10. Review status: criteria provided, single submitter. Criteria: ACMG Guidelines, 2015. Collection method: clinical testing. Allele origin: germline. Affected: yes.
Comment: The following ACMG criteria was used: PVS1; PM2_SUP; PS4_SUP

Ambry Genetics
Classification: Pathogenic for Hereditary cancer-predisposing syndrome. Last evaluated: 2024-04-25. Review status: criteria provided, single submitter. Criteria: Ambry Variant Classification Scheme 2023. Collection method: clinical testing. Allele origin: germline.
Comment: The p.E293* pathogenic mutation (also known as c.877G>T), located in coding exon 7 of the STK11 gene, results from a G to T substitution at nucleotide position 877. This changes the amino acid from a glutamic acid to a stop codon within coding exon 7. This variant was reported as a mosaic finding in an individual with Peutz-Jeghers syndrome and has been observed in at least one heterozygous individual with a personal and/or family history that is consistent with Peutz-Jeghers syndrome (Jelsig AM et al. Fam Cancer, 2021 Jan;20:55-59; Ambry internal data). This variant is considered to be rare based on population cohorts in the Genome Aggregation Database (gnomAD). In addition to the clinical data presented in the literature, this alteration is expected to result in loss of function by premature protein truncation or nonsense-mediated mRNA decay. As such, this alteration is interpreted as a disease-causing mutation.

Eurofins Ntd Llc (ga)
Classification: Pathogenic. Last evaluated: 2013-06-24. Review status: criteria provided, single submitter. Criteria: EGL Classification Definitions 2015. Collection method: clinical testing. Allele origin: germline. Observed: 2 variant alleles, 2 heterozygotes.

Literature cited by the submitters: PubMed 37017260 (cited by Department of Clinical Genetics, Copenhagen University Hospital, Rigshospitalet); PubMed 32504210 (cited by Ambry Genetics).

NM_000455.5(STK11):c.877G>T (p.Glu293Ter)

Gene: STK11 (serine/threonine kinase 11; plus strand). Cytogenetic location: 19p13.3.
Variant type: single nucleotide variant.
Coding change: c.877G>T on transcript NM_000455.5 (MANE Select); coding-DNA position 877, G replaced by T.
Protein change: p.Glu293Ter; replaces glutamic acid 293 with a stop codon.
Molecular consequence: nonsense.
Genome position (GRCh38, 1-based): chr19:1,221,963, G>T. VCF-style: chr19-1221963-G-T. GRCh37 (hg19) VCF-style: chr19-1221962-G-T.
Other names: NP_000446.1:p.Glu293*; short protein forms E293*.
Identifiers: ClinVar variation 93098 (VCV000093098.7), dbSNP rs398123405, ClinGen allele CA023322.
Genomic context (GRCh38, chr19:1,221,963, plus strand): 5'-TCAGGCCTGTGCCCAGCTGACAGGCTCCTCGCCGGCTTCTCCTCAGGGATGCTTGAGTAC[G>T]AACCGGCCAAGAGGTTCTCCATCCGGCAGATCCGGCAGCACAGGTGAGCGGCCCCTGGGG-3'